The following is an entry in ClinVar:

NM_007294.4(BRCA1):c.430A>T (p.Asn144Tyr)

Gene: BRCA1 (BRCA1 DNA repair associated; minus strand). Cytogenetic location: 17q21.31.
Variant type: single nucleotide variant.
Coding change: c.430A>T on transcript NM_007294.4 (MANE Select); coding-DNA position 430, A replaced by T.
Protein change: p.Asn144Tyr; replaces asparagine 144 with tyrosine.
Molecular consequence: missense variant. On other transcripts: intron variant (2).
Genome position (GRCh38, 1-based): chr17:43,104,133, T>A on the plus strand (A>T on the coding strand, the complement: BRCA1 is on the minus strand). VCF-style: chr17-43104133-T-A. GRCh37 (hg19) VCF-style: chr17-41256150-T-A.
Other names: c.220A>T, p.Asn74Tyr (NM_001407571.1, NM_001407853.1, NM_001407879.1 and 58 more transcripts); c.430A>T, p.Asn144Tyr (NM_001407581.1, NM_001407582.1, NM_001407583.1 and 164 more transcripts); c.421A>T, p.Asn141Tyr (NM_001407646.1, NM_001407647.1, NM_001408408.1); c.352A>T, p.Asn118Tyr (NM_001407653.1, NM_001407654.1, NM_001407655.1 and 21 more transcripts); c.289A>T, p.Asn97Tyr (NM_001407692.1, NM_001407694.1, NM_001407695.1 and 99 more transcripts); c.49A>T, p.Asn17Tyr (NM_001407959.1, NM_001407960.1, NM_001407962.1 and 4 more transcripts); c.298A>T, p.Asn100Tyr (NM_001408451.1); c.-218-9273A>T (NM_001407967.1, NM_001407966.1); short protein forms N100Y, N144Y, N141Y, N17Y, N74Y, N118Y, N97Y.
Identifiers: ClinVar variation 4625730 (VCV004625730.1).

ClinVar aggregate classification (germline): Uncertain significance (1 of 4 stars; one submission).

Conditions:
Hereditary cancer-predisposing syndrome. Also called: Neoplastic Syndromes, Hereditary; Tumor predisposition; Hereditary Cancer Syndrome; Hereditary neoplastic syndrome. Identifiers: Orphanet 140162, MedGen C0027672, MeSH D009386, MONDO:0015356.

Submission:

Ambry Genetics
Classification: Uncertain significance for Hereditary cancer-predisposing syndrome. Last evaluated: 2025-12-02. Review status: criteria provided, single submitter. Criteria: Ambry Variant Classification Scheme 2023. Collection method: clinical testing. Allele origin: germline.
Comment: The p.N144Y variant (also known as c.430A>T), located in coding exon 5 of the BRCA1 gene, results from an A to T substitution at nucleotide position 430. The asparagine at codon 144 is replaced by tyrosine, an amino acid with dissimilar properties. This amino acid position is not well conserved in available vertebrate species. In addition, this alteration is predicted to be deleterious by in silico analysis. Based on the available evidence, the clinical significance of this variant remains unclear.